The following is an entry in ClinVar:

ClinVar aggregate classification (germline): Uncertain significance. Review status: criteria provided, multiple submitters, no conflicts (2 of 4 stars). 3 submissions from 3 submitters: Uncertain significance (3). Last evaluated 2025-12-15.

Conditions:
Inborn genetic diseases. Identifiers: MedGen C0950123, MeSH D030342.

Allele frequency attached by ClinVar (database versions not stated): gnomAD exomes 0.00002; ExAC 0.00003; gnomAD 0.00007; TOPMed 0.00008; ESP Exome Variant Server 0.00009.
gnomAD v4.1: 25 of 1,185,850 alleles (0.0021%); highest among the groups gnomAD compares: African/African-American, 0.037%; no homozygotes.

Submissions (3):

Labcorp Genetics (formerly Invitae), Labcorp
Classification: Uncertain significance. Last evaluated: 2025-12-15. Review status: criteria provided, single submitter. Criteria: Invitae Variant Classification Sherloc (09022015). Collection method: clinical testing. Allele origin: germline.
Comment: This sequence change falls in intron 11 of the GRIA3 gene. It does not directly change the encoded amino acid sequence of the GRIA3 protein. It affects a nucleotide within the consensus splice site. This variant is present in population databases (rs373419006, gnomAD 0.04%). This variant has not been reported in the literature in individuals affected with GRIA3-related conditions. ClinVar contains an entry for this variant (Variation ID: 1781810). Variants that disrupt the consensus splice site are a relatively common cause of aberrant splicing (PMID: 17576681, 9536098). Algorithms developed to predict the effect of sequence changes on RNA splicing suggest that this variant is not likely to affect RNA splicing. In summary, the available evidence is currently insufficient to determine the role of this variant in disease. Therefore, it has been classified as a Variant of Uncertain Significance.

Athena Diagnostics
Classification: Uncertain significance. Last evaluated: 2022-09-07. Review status: criteria provided, single submitter. Criteria: Athena Diagnostics Criteria. Collection method: clinical testing. Allele origin: unknown.

Ambry Genetics
Classification: Uncertain significance for Inborn genetic diseases. Last evaluated: 2020-02-18. Review status: criteria provided, single submitter. Criteria: Ambry Variant Classification Scheme 2023. Collection method: clinical testing. Allele origin: germline.
Comment: The c.1878-3T>C intronic variant results from a T to C substitution 3 nucleotides upstream from coding exon 12 in the GRIA3 gene. This nucleotide position is not well conserved in available vertebrate species. Using the BDGP and ESEfinder splice site prediction tools, this alteration is not predicted to have any significant effect on this splice acceptor site; however, direct evidence is unavailable. Since supporting evidence is limited at this time, the clinical significance of this alteration remains unclear.

Literature cited by the submitters: PubMed 17576681 (cited by Labcorp Genetics (formerly Invitae), Labcorp); PubMed 9536098 (cited by Labcorp Genetics (formerly Invitae), Labcorp).

NM_007325.5(GRIA3):c.1878-3T>C

Gene: GRIA3 (glutamate ionotropic receptor AMPA type subunit 3; plus strand). Cytogenetic location: Xq25.
Variant type: single nucleotide variant.
Coding change: c.1878-3T>C on transcript NM_007325.5 (MANE Select); 3 bases into the intron before coding-DNA position 1878, T replaced by C.
Molecular consequence: intron variant.
Genome position (GRCh38, 1-based): chrX:123,427,938, T>C. VCF-style: chrX-123427938-T-C. GRCh37 (hg19) VCF-style: chrX-122561789-T-C.
Other names: c.1878-3T>C (NM_000828.5).
Identifiers: ClinVar variation 1781810 (VCV001781810.7), dbSNP rs373419006, ClinGen allele CA10507121.